The following is an entry in ClinVar:

ClinVar aggregate classification (germline): Pathogenic (1 of 4 stars; one submission).

Conditions:
Rare genetic deafness. Identifiers: Orphanet 96210, MedGen C5680250.

Submission:

Laboratory for Molecular Medicine, Mass General Brigham Personalized Medicine
Classification: Pathogenic for Rare genetic deafness. Last evaluated: 2010-11-24. Review status: criteria provided, single submitter. Criteria: LMM Criteria. Collection method: clinical testing. Allele origin: germline. Observed: 1 variant allele.
Comment: The 1361-1G>T variant in EYA1 has not been reported in the literature nor previo usly identified by our laboratory. However, the 1361-1G>T variant is predicted t o cause abnormal splicing because the nucleotide substitution occurs in the inva riant region of the splice consensus sequence. In summary, this variant meets ou r criteria to be classified as pathogenic.

NM_000503.6(EYA1):c.1361-1G>T

Gene: EYA1 (EYA transcriptional coactivator and phosphatase 1; minus strand). Cytogenetic location: 8q13.3.
Variant type: single nucleotide variant.
Coding change: c.1361-1G>T on transcript NM_000503.6 (MANE Select); the canonical splice acceptor site of the intron before coding-DNA position 1361, G replaced by T.
Molecular consequence: splice acceptor variant.
Genome position (GRCh38, 1-based): chr8:71,215,729, C>A on the plus strand (G>T on the coding strand, the complement: EYA1 is on the minus strand). VCF-style: chr8-71215729-C-A. GRCh37 (hg19) VCF-style: chr8-72127964-C-A.
Other names: c.1340-1G>T (NM_001370336.1); c.1448-1G>T (NM_001370333.1); c.1361-1G>T (NM_001370335.1, NM_001370334.1, NM_172058.4); c.1343-1G>T (NM_172059.5, NM_001288574.2); c.1262-1G>T (NM_001411797.1, NM_172060.4); c.995-1G>T (NM_001288575.2).
Identifiers: ClinVar variation 48102 (VCV000048102.4), dbSNP rs397517917, ClinGen allele CA262033.